The following is an entry in ClinVar:

NM_000222.3(KIT):c.2748A>G (p.Thr916=)

Gene: KIT (KIT proto-oncogene, receptor tyrosine kinase; plus strand). Cytogenetic location: 4q12.
Variant type: single nucleotide variant.
Coding change: c.2748A>G on transcript NM_000222.3 (MANE Select); coding-DNA position 2748, A replaced by G.
Protein change: p.Thr916=; no amino-acid change (threonine 916 retained).
Molecular consequence: synonymous variant.
Genome position (GRCh38, 1-based): chr4:54,737,226, A>G. VCF-style: chr4-54737226-A-G. GRCh37 (hg19) VCF-style: chr4-55603392-A-G.
Other names: c.2736A>G, p.Thr912= (NM_001093772.2, NM_001385292.1); c.2751A>G, p.Thr917= (NM_001385284.1); c.2745A>G, p.Thr915= (NM_001385285.1); c.2733A>G, p.Thr911= (NM_001385286.1); c.2739A>G, p.Thr913= (NM_001385288.1); c.2748A>G, p.Thr916= (NM_001385290.1).
Identifiers: ClinVar variation 707749 (VCV000707749.14), dbSNP rs1461649004, ClinGen allele CA439292180.

ClinVar aggregate classification (germline): Benign/Likely benign. Review status: criteria provided, multiple submitters, no conflicts (2 of 4 stars). 3 submissions from 3 submitters: Benign (1); Likely benign (2). Last evaluated 2026-06-05.

Conditions:
Hereditary cancer-predisposing syndrome. Also called: Neoplastic Syndromes, Hereditary; Hereditary Cancer Syndrome; Hereditary neoplastic syndrome; Tumor predisposition. Identifiers: Orphanet 140162, MedGen C0027672, MeSH D009386, MONDO:0015356.
Gastrointestinal stromal tumor. Also called: Gastrointestinal stromal tumor, somatic; Gastrointestinal stroma tumor. Identifiers: Orphanet 44890, MedGen C0238198, MeSH D046152, MONDO:0011719, OMIM 606764, HP:0100723.

Allele frequency attached by ClinVar (database versions not stated): gnomAD exomes below 0.00001.
gnomAD v4.1: 5 of 1,614,028 alleles (0.00031%); highest among the groups gnomAD compares: East Asian, 0.0022%; no homozygotes.

Submissions (3):

Myriad Genetics, Inc.
Classification: Benign for Gastrointestinal stromal tumor. Last evaluated: 2026-06-05. Review status: criteria provided, single submitter. Criteria: Myriad Autosomal Dominant, Autosomal Recessive and X-Linked Classification Criteria (2023). Collection method: clinical testing. Allele origin: unknown.
Comment: This variant is considered benign. This variant is a silent/synonymous amino acid change and it is not expected to impact splicing.

Labcorp Genetics (formerly Invitae), Labcorp
Classification: Likely benign for Gastrointestinal stromal tumor. Last evaluated: 2025-08-29. Review status: criteria provided, single submitter. Criteria: Invitae Variant Classification Sherloc (09022015). Collection method: clinical testing. Allele origin: germline.

Ambry Genetics
Classification: Likely benign for Hereditary cancer-predisposing syndrome. Last evaluated: 2022-08-01. Review status: criteria provided, single submitter. Criteria: Ambry Variant Classification Scheme 2023. Collection method: clinical testing. Allele origin: germline.